The following is an entry in ClinVar:

ClinVar aggregate classification (germline): Conflicting classifications of pathogenicity. Review status: criteria provided, conflicting classifications (1 of 4 stars). 3 submissions from 3 submitters: Uncertain significance (1); Likely benign (2). Last evaluated 2025-12-28.

Allele frequency attached by ClinVar (database versions not stated): gnomAD exomes 0.00003 and 0.00006; ExAC 0.00005; 1000 Genomes Project 0.00020; gnomAD 0.00024 and 0.00028; TOPMed 0.00025; 1000 Genomes Project 30x 0.00031.
gnomAD v4.1: 80 of 1,613,318 alleles (0.005%); highest among the groups gnomAD compares: African/African-American, 0.08%; no homozygotes.

Submissions (3):

Labcorp Genetics (formerly Invitae), Labcorp
Classification: Likely benign. Last evaluated: 2025-12-28. Review status: criteria provided, single submitter. Criteria: Invitae Variant Classification Sherloc (09022015). Collection method: clinical testing. Allele origin: germline.

GeneDx
Classification: Uncertain significance. Last evaluated: 2025-12-16. Review status: criteria provided, single submitter. Criteria: GeneDx Variant Classification Process June 2021. Collection method: clinical testing. Allele origin: germline. Affected: yes.
Comment: In silico analysis indicates that this missense variant does not alter protein structure/function; Has not been previously published as pathogenic or benign to our knowledge

Blueprint Genetics
Classification: Likely benign. Last evaluated: 2024-11-13. Review status: criteria provided, single submitter. Criteria: ACMG Guidelines, 2015. Collection method: clinical testing. Allele origin: germline.

NM_206933.4(USH2A):c.5131G>A (p.Ala1711Thr)

Genes: USH2A (usherin; minus strand), USH2A-AS2 (USH2A antisense RNA 2; plus strand). Cytogenetic location: 1q41.
Variant type: single nucleotide variant.
Coding change: c.5131G>A on transcript NM_206933.4 (MANE Select); coding-DNA position 5131, G replaced by A.
Protein change: p.Ala1711Thr; replaces alanine 1711 with threonine.
Molecular consequence: missense variant.
Genome position (GRCh38, 1-based): chr1:216,084,734, C>T on the plus strand (G>A on the coding strand, the complement: USH2A is on the minus strand). VCF-style: chr1-216084734-C-T. GRCh37 (hg19) VCF-style: chr1-216258076-C-T.
Other names: short protein forms A1711T.
Identifiers: ClinVar variation 1327783 (VCV001327783.11), dbSNP rs535796173, ClinGen allele CA1395529.